The following is an entry in ClinVar:

NM_002474.3(MYH11):c.4116+12G>A

Genes: NDE1 (nudE neurodevelopment protein 1; plus strand), MYH11 (myosin heavy chain 11; minus strand). Cytogenetic location: 16p13.11.
Variant type: single nucleotide variant.
Coding change: c.4116+12G>A on transcript NM_002474.3 (MANE Select); 12 bases into the intron after coding-DNA position 4116, G replaced by A.
Molecular consequence: intron variant. On other transcripts: 3 prime UTR variant (2).
Genome position (GRCh38, 1-based): chr16:15,724,635, C>T on the plus strand (G>A on the coding strand, the complement: MYH11 is on the minus strand). VCF-style: chr16-15724635-C-T. GRCh37 (hg19) VCF-style: chr16-15818492-C-T.
Other names: c.*384C>T (NM_001143979.2, NM_017668.3); c.4116+12G>A (NM_022844.3); c.4137+12G>A (NM_001040114.2, NM_001040113.2).
Identifiers: ClinVar variation 138340 (VCV000138340.25), dbSNP rs193005461, ClinGen allele CA292300.

ClinVar aggregate classification (germline): Benign/Likely benign. Review status: criteria provided, multiple submitters, no conflicts (2 of 4 stars). 8 submissions from 7 submitters: Benign (6); Likely benign (2). Last evaluated 2026-02-03.

Conditions:
Aortic aneurysm, familial thoracic 4 (AAT4). Also called: AORTIC ANEURYSM/AORTIC DISSECTION AND PATENT DUCTUS ARTERIOSUS. Identifiers: MedGen C1851504, MONDO:0007568, OMIM 132900.
Lissencephaly 4 (LIS4). Also called: Lissencephaly 4 (with microcephaly). Identifiers: Orphanet 1083, MedGen C3151461, MONDO:0013527, OMIM 614019.

Allele frequency attached by ClinVar (database versions not stated): gnomAD 0.00787 and 0.00847; TOPMed 0.00864; 1000 Genomes Project 0.00919.
gnomAD v4.1: 2,262 of 1,613,748 alleles (0.14%); highest among the groups gnomAD compares: African/African-American, 2.7%; 29 homozygotes.

Submissions (8):

Labcorp Genetics (formerly Invitae), Labcorp
Classification: Benign for Aortic aneurysm, familial thoracic 4. Last evaluated: 2026-02-03. Review status: criteria provided, single submitter. Criteria: Invitae Variant Classification Sherloc (09022015). Collection method: clinical testing. Allele origin: germline.

ARUP Laboratories, Molecular Genetics and Genomics, ARUP Laboratories
Classification: Benign. Last evaluated: 2025-06-16. Review status: criteria provided, single submitter. Criteria: ARUP Molecular Germline Variant Investigation Process 2024. Collection method: clinical testing. Allele origin: germline.

Women's Health and Genetics/Laboratory Corporation of America, LabCorp
Classification: Benign. Last evaluated: 2023-10-19. Review status: criteria provided, single submitter. Criteria: LabCorp Variant Classification Summary - May 2015. Collection method: clinical testing. Allele origin: germline.
Comment: Variant summary: MYH11 c.4137+12G>A alters a nucleotide located at a position not widely known to affect splicing. Consensus agreement among computation tools predict no significant impact on normal splicing. However, these predictions have yet to be confirmed by functional studies. The variant allele was found at a frequency of 0.002 in 251178 control chromosomes, predominantly at a frequency of 0.028 within the African or African-American subpopulation in the gnomAD database, including 5 homozygotes. The observed variant frequency within African or African-American control individuals in the gnomAD database is approximately 22400 fold of the estimated maximal expected allele frequency for a pathogenic variant in MYH11 causing Aortopathy phenotype (1.3e-06), strongly suggesting that the variant is a benign polymorphism found primarily in populations of African or African-American origin. To our knowledge, no occurrence of c.4137+12G>A in individuals affected with Aortopathy and no experimental evidence demonstrating its impact on protein function have been reported. Five submitters have cited clinical-significance assessments for this variant to ClinVar after 2014. All submitters classified the variant as benign/likely benign. Based on the evidence outlined above, the variant was classified as benign.

Illumina Laboratory Services, Illumina
Classification: Likely benign for Aortic aneurysm, familial thoracic 4. Last evaluated: 2018-01-13. Review status: criteria provided, single submitter. Criteria: ICSL Variant Classification Criteria 13 December 2019. Collection method: clinical testing. Allele origin: germline.
Comment: This variant was observed in the ICSL laboratory as part of a predisposition screen in an ostensibly healthy population. It had not been previously curated by ICSL or reported in the Human Gene Mutation Database (HGMD: prior to June 1st, 2018), and was therefore a candidate for classification through an automated scoring system. Utilizing variant allele frequency, disease prevalence and penetrance estimates, and inheritance mode, an automated score was calculated to assess if this variant is too frequent to cause the disease. Based on the score and internal cut-off values, a variant classified as likely benign is not then subjected to further curation. The score for this variant resulted in a classification of likely benign for this disease.

Illumina Laboratory Services, Illumina
Classification: Benign for Lissencephaly 4. Last evaluated: 2018-01-13. Review status: criteria provided, single submitter. Criteria: ICSL Variant Classification Criteria 13 December 2019. Collection method: clinical testing. Allele origin: germline.
Comment: This variant was observed in the ICSL laboratory as part of a predisposition screen in an ostensibly healthy population. It had not been previously curated by ICSL or reported in the Human Gene Mutation Database (HGMD: prior to June 1st, 2018), and was therefore a candidate for classification through an automated scoring system. Utilizing variant allele frequency, disease prevalence and penetrance estimates, and inheritance mode, an automated score was calculated to assess if this variant is too frequent to cause the disease. Based on the score and internal cut-off values, a variant classified as benign is not then subjected to further curation. The score for this variant resulted in a classification of benign for this disease.

GeneDx
Classification: Benign. Last evaluated: 2013-12-03. Review status: criteria provided, single submitter. Criteria: GeneDx Variant Classification (06012015). Collection method: clinical testing. Allele origin: germline. Affected: yes.
Comment: This variant is considered likely benign or benign based on one or more of the following criteria: it is a conservative change, it occurs at a poorly conserved position in the protein, it is predicted to be benign by multiple in silico algorithms, and/or has population frequency not consistent with disease.

Breakthrough Genomics
Classification: Likely benign. Review status: criteria provided, single submitter. Criteria: ACMG Guidelines, 2015. Collection method: not provided. Allele origin: germline. Inheritance: Autosomal recessive inheritance. Affected: yes.

PreventionGenetics, part of Exact Sciences
Classification: Benign. Review status: criteria provided, single submitter. Criteria: ACMG Guidelines, 2015. Collection method: clinical testing. Allele origin: germline.